The following is an entry in ClinVar:

ClinVar aggregate classification (germline): Uncertain significance. Review status: criteria provided, multiple submitters, no conflicts (2 of 4 stars). 2 submissions from 2 submitters: Uncertain significance (2). Last evaluated 2026-01-25.

Conditions:
Hereditary spherocytosis type 1. Also called: Spherocytosis type 1; ANK1-Related Spherocytosis. Identifiers: Orphanet 822, MedGen C2674218, MONDO:0008447, OMIM 182900.

Submissions (2):

Labcorp Genetics (formerly Invitae), Labcorp
Classification: Uncertain significance. Last evaluated: 2026-01-25. Review status: criteria provided, single submitter. Criteria: Invitae Variant Classification Sherloc (09022015). Collection method: clinical testing. Allele origin: germline.
Comment: This sequence change affects codon 109 of the ANK1 mRNA. It is a 'silent' change, meaning that it does not change the encoded amino acid sequence of the ANK1 protein. This variant also falls at the last nucleotide of exon 4, which is part of the consensus splice site for this exon. This variant is not present in population databases (gnomAD no frequency). This variant has been observed in individual(s) with hereditary spherocytosis (internal data). ClinVar contains an entry for this variant (Variation ID: 2920913). Variants that disrupt the consensus splice site are a relatively common cause of aberrant splicing (PMID: 17576681, 9536098). Algorithms developed to predict the effect of sequence changes on RNA splicing suggest that this variant is not likely to affect RNA splicing. In summary, the available evidence is currently insufficient to determine the role of this variant in disease. Therefore, it has been classified as a Variant of Uncertain Significance.

ARUP Laboratories, Molecular Genetics and Genomics, ARUP Laboratories
Classification: Uncertain significance for Hereditary spherocytosis type 1. Last evaluated: 2023-04-21. Review status: criteria provided, single submitter. Criteria: ARUP Molecular Germline Variant Investigation Process 2024. Collection method: clinical testing. Allele origin: germline.

Literature cited by the submitters: PubMed 17576681 (cited by Labcorp Genetics (formerly Invitae), Labcorp); PubMed 9536098 (cited by Labcorp Genetics (formerly Invitae), Labcorp).

NM_000037.4(ANK1):c.327G>A (p.Gln109=)

Gene: ANK1 (ankyrin 1; minus strand). Cytogenetic location: 8p11.21.
Variant type: single nucleotide variant.
Coding change: c.327G>A on transcript NM_000037.4 (MANE Select); coding-DNA position 327, G replaced by A.
Protein change: p.Gln109=; no amino-acid change (glutamine 109 retained).
Molecular consequence: synonymous variant.
Genome position (GRCh38, 1-based): chr8:41,727,908, C>T on the plus strand (G>A on the coding strand, the complement: ANK1 is on the minus strand). VCF-style: chr8-41727908-C-T. GRCh37 (hg19) VCF-style: chr8-41585426-C-T.
Other names: c.426G>A, p.Gln142= (NM_001142446.2); c.327G>A, p.Gln109= (NM_020475.3, NM_020476.3, NM_020477.3).
Identifiers: ClinVar variation 2920913 (VCV002920913.2), dbSNP rs2487001924, ClinGen allele CA460538594.
Genomic context (GRCh38, chr8:41,727,908, plus strand): 5'-GCAAAGAGGAACCACCTGTGGAAAGGCAACACCCTCTAGTCCAGACCAGAGAGCCATTAC[C>T]TGTGACTGGGCGTTGACGTTGGCTCCATAGTTGACAAGCTCCCGGACCACCTCATCCTGC-3'
Protein context (NP_000028.3, residues 99-119): NYGANVNAQS[Gln109=]KGFTPLYMAA